The following is an entry in ClinVar:

NM_024577.4(SH3TC2):c.1556_1557insCGGGTGGATCATGAGGTCAGGAGATCGAGACCATCCTGGCTAANNNNNNNNNNNNNNNNNNNAAAAAAAAAAAAAAAAAAAAAAAAAAAGAAAGTGGGCCAAG (p.Lys519delinsAsnGlyTrpIleMetArgSerGlyAspArgAspHisProGlyTer)

Gene: SH3TC2 (SH3 domain and tetratricopeptide repeats 2; minus strand). Cytogenetic location: 5q32.
Variant type: Insertion.
Coding change: c.1556_1557insCGGGTGGATCATGAGGTCAGGAGATCGAGACCATCCTGGCTAANNNNNNNNNNNNNNNNNNNAAAAAAAAAAAAAAAAAAAAAAAAAAAGAAAGTGGGCCAAG on transcript NM_024577.4 (MANE Select); coding-DNA positions 1556 to 1557, CGGGTGGATCATGAGGTCAGGAGATCGAGACCATCCTGGCTAANNNNNNNNNNNNNNNNNNNAAAAAAAAAAAAAAAAAAAAAAAAAAAGAAAGTGGGCCAAG inserted.
Protein change: p.Lys519delinsAsnGlyTrpIleMetArgSerGlyAspArgAspHisProGlyTer.
Molecular consequence: nonsense.
Genome position: GRCh38: chr5:149,028,175-149,028,176. GRCh37 (hg19): chr5:148,407,738-148,407,739.
Identifiers: ClinVar variation 1073106 (VCV001073106.9), dbSNP rs2127397557.

ClinVar aggregate classification (germline): Pathogenic (1 of 4 stars; one submission).

Conditions:
Charcot-Marie-Tooth disease type 4. Also called: Charcot-Marie-Tooth, Type 4; Charcot-Marie-Tooth disease, type IV. Identifiers: Orphanet 64749, MedGen C4082197, MONDO:0018995.

Submission:

Labcorp Genetics (formerly Invitae), Labcorp
Classification: Pathogenic for Charcot-Marie-Tooth disease type 4. Last evaluated: 2017-12-08. Review status: criteria provided, single submitter. Criteria: Invitae Variant Classification Sherloc (09022015). Collection method: clinical testing. Allele origin: germline.
Comment: This sequence change inserts an SVA retrotransposon in exon 11 of the SH3TC2 mRNA (c.1556_1557ins103), causing a frameshift at codon 519 (p.Lys519fs). The exact size and sequence of the insertion cannot be determined by the current assay. However, the insertion is expected to result in an absent or disrupted protein product. This variant has not been reported in the literature in individuals with SH3TC2-related disease. For these reasons, this variant has been classified as Pathogenic. Retrotransposon insertions including LINE1 (L1), Alu, and SVA (SINE-VNTR-Alu) have been reported to be disease-causing through disruption of either a coding region or splice site (PMID: 19763152, 20307669, 22406018) and loss-of-function variants in SH3TC2 are known to be pathogenic (PMID: 20220177).

Literature cited by the submitters: PubMed 19763152; PubMed 20307669; PubMed 22406018; PubMed 20220177.